The following is an entry in ClinVar:

NM_000053.4(ATP7B):c.2993G>A (p.Gly998Asp)

Gene: ATP7B (ATPase copper transporting beta; minus strand). Cytogenetic location: 13q14.3.
Variant type: single nucleotide variant.
Coding change: c.2993G>A on transcript NM_000053.4 (MANE Select); coding-DNA position 2993, G replaced by A.
Protein change: p.Gly998Asp; replaces glycine 998 with aspartic acid.
Molecular consequence: missense variant. On other transcripts: intron variant (6).
Genome position (GRCh38, 1-based): chr13:51,946,351, C>T on the plus strand (G>A on the coding strand, the complement: ATP7B is on the minus strand). VCF-style: chr13-51946351-C-T. GRCh37 (hg19) VCF-style: chr13-52520487-C-T.
Other names: c.2993G>A, p.Gly998Asp (NM_001406512.1, NM_001406513.1, NM_001406511.1 and 2 more transcripts); c.2960G>A, p.Gly987Asp (NM_001406514.1); c.2939G>A, p.Gly980Asp (NM_001406515.1, NM_001406516.1); c.2897G>A, p.Gly966Asp (NM_001406517.1, NM_001406518.1); c.2858G>A, p.Gly953Asp (NM_001406519.1); c.2849G>A, p.Gly950Asp (NM_001406520.1, NM_001406521.1, NM_001406522.1); c.2705G>A, p.Gly902Asp (NM_001406534.1); c.2663G>A, p.Gly888Asp (NM_001406536.1); and 18 more; short protein forms G568D, G782D, G791D, G804D, G836D, G855D, G882D, G887D.
Identifiers: ClinVar variation 4528912 (VCV004528912.1).

ClinVar aggregate classification (germline): Likely pathogenic (1 of 4 stars; one submission).

Conditions:
Wilson disease (WND). Also called: Wilson's disease. Identifiers: Orphanet 905, MedGen C0019202, MONDO:0010200, OMIM 277900. Disease mechanism: loss of function.

Submission:

Dr. Moinak Lab, Sanjay Gandhi Postgraduate Institute of Medical Sciences
Classification: Likely pathogenic for Wilson disease. Last evaluated: 2024-05-12. Review status: criteria provided, single submitter. Criteria: ACMG Guidelines, 2015. Collection method: clinical testing. Allele origin: germline. Inheritance: Autosomal recessive inheritance. Affected: yes. Observed: 1 compound heterozygote.
Comment: ATP7B: c.2993G>A is a novel variant involving a single nucleotide substitution from G to A in exon 13. This results in a non-synonymous change at codon 998, replacing the amino acid glycine with aspartic (p.Gly998Asp)

Literature cited by the submitters: PubMed 20301685.